The following is an entry in ClinVar:

ClinVar aggregate classification (germline): Uncertain significance (1 of 4 stars; one submission).

Allele frequency attached by ClinVar (database versions not stated): TOPMed 0.00002; gnomAD 0.00005; gnomAD exomes 0.00005; ExAC 0.00006; ESP Exome Variant Server 0.00008.
gnomAD v4.1: 83 of 1,613,890 alleles (0.0051%); highest among the groups gnomAD compares: Non-Finnish European, 0.0044%; no homozygotes.

Submission:

Labcorp Genetics (formerly Invitae), Labcorp
Classification: Uncertain significance. Last evaluated: 2025-10-09. Review status: criteria provided, single submitter. Criteria: Invitae Variant Classification Sherloc (09022015). Collection method: clinical testing. Allele origin: germline.
Comment: This sequence change replaces isoleucine, which is neutral and non-polar, with valine, which is neutral and non-polar, at codon 2273 of the ATR protein (p.Ile2273Val). This variant is present in population databases (rs374965906, gnomAD 0.03%). This variant has not been reported in the literature in individuals affected with ATR-related conditions. ClinVar contains an entry for this variant (Variation ID: 1017203). An algorithm developed to predict the effect of missense changes on protein structure and function outputs the following: PolyPhen-2: "Benign". The valine amino acid residue is found in multiple mammalian species, which suggests that this missense change does not adversely affect protein function. In summary, the available evidence is currently insufficient to determine the role of this variant in disease. Therefore, it has been classified as a Variant of Uncertain Significance.

NM_001184.4(ATR):c.6817A>G (p.Ile2273Val)

Gene: ATR (ATR checkpoint kinase; minus strand). Cytogenetic location: 3q23.
Variant type: single nucleotide variant.
Coding change: c.6817A>G on transcript NM_001184.4 (MANE Select); coding-DNA position 6817, A replaced by G.
Protein change: p.Ile2273Val; replaces isoleucine 2273 with valine.
Molecular consequence: missense variant.
Genome position (GRCh38, 1-based): chr3:142,466,404, T>C on the plus strand (A>G on the coding strand, the complement: ATR is on the minus strand). VCF-style: chr3-142466404-T-C. GRCh37 (hg19) VCF-style: chr3-142185246-T-C.
Other names: c.6625A>G, p.Ile2209Val (NM_001354579.2); short protein forms I2209V, I2273V.
Identifiers: ClinVar variation 1017203 (VCV001017203.8), dbSNP rs374965906, ClinGen allele CA2649265.